The following is an entry in ClinVar:

ClinVar aggregate classification (germline): Likely benign. Review status: criteria provided, multiple submitters, no conflicts (2 of 4 stars). 4 submissions from 4 submitters: Likely benign (4). Last evaluated 2026-01-29.

Allele frequency attached by ClinVar (database versions not stated): ESP Exome Variant Server 0.00008; gnomAD exomes 0.00025 and 0.00112; ExAC 0.00071; gnomAD 0.00091 and 0.00092; 1000 Genomes Project 0.00120; 1000 Genomes Project 30x 0.00141; TOPMed 0.00163.
gnomAD v4.1: 519 of 1,611,944 alleles (0.032%); highest among the groups gnomAD compares: Admixed American, 0.76%; 2 homozygotes.

Submissions (4):

Labcorp Genetics (formerly Invitae), Labcorp
Classification: Likely benign. Last evaluated: 2026-01-29. Review status: criteria provided, single submitter. Criteria: Invitae Variant Classification Sherloc (09022015). Collection method: clinical testing. Allele origin: germline.

CeGaT Center for Human Genetics Tuebingen
Classification: Likely benign. Last evaluated: 2025-09-01. Review status: criteria provided, single submitter. Criteria: CeGaT Center For Human Genetics Tuebingen Variant Classification Criteria Version 2. Collection method: clinical testing. Allele origin: germline. Affected: yes. Observed: 1 variant allele.
Comment: FGF9: BS1

Blueprint Genetics
Classification: Likely benign. Last evaluated: 2024-05-24. Review status: criteria provided, single submitter. Criteria: ACMG Guidelines, 2015. Collection method: clinical testing. Allele origin: germline.

Breakthrough Genomics
Classification: Likely benign. Review status: criteria provided, single submitter. Criteria: ACMG Guidelines, 2015. Collection method: not provided. Allele origin: germline. Inheritance: Autosomal dominant inheritance. Affected: yes.

NM_002010.3(FGF9):c.280A>G (p.Ile94Val)

Gene: FGF9 (fibroblast growth factor 9; plus strand). Cytogenetic location: 13q12.11.
Variant type: single nucleotide variant.
Coding change: c.280A>G on transcript NM_002010.3 (MANE Select); coding-DNA position 280, A replaced by G.
Protein change: p.Ile94Val; replaces isoleucine 94 with valine.
Molecular consequence: missense variant.
Genome position (GRCh38, 1-based): chr13:21,681,044, A>G. VCF-style: chr13-21681044-A-G. GRCh37 (hg19) VCF-style: chr13-22255183-A-G.
Other names: short protein forms I94V.
Identifiers: ClinVar variation 778450 (VCV000778450.19), dbSNP rs12427696, ClinGen allele CA6909463.